The following is an entry in ClinVar:

NM_001282531.3(ADNP):c.2175del (p.Leu726fs)

Gene: ADNP (activity dependent neuroprotector homeobox; minus strand). Cytogenetic location: 20q13.13.
Variant type: Deletion.
Coding change: c.2175del on transcript NM_001282531.3 (MANE Select); coding-DNA position 2175, one base deleted (C; older notation c.2175delC).
Protein change: p.Leu726fs; shifts the reading frame from leucine 726.
Molecular consequence: frameshift variant.
Genome position (GRCh38, 1-based): chr20:50,892,539, G deleted on the plus strand (C on the coding strand, the reverse complement: ADNP is on the minus strand); the first of 3 consecutive G bases (chr20:50,892,539-50,892,541); deleting any one gives the same sequence. VCF-style (leftmost placement, unchanged base first): chr20-50892538-AG-A. GRCh37 (hg19) VCF-style: chr20-49509075-AG-A.
Other names: c.2175del, p.Leu726fs (NM_001282532.2, NM_001347511.2, NM_015339.5 and 1 more transcripts); short protein forms L726fs.
Identifiers: ClinVar variation 432980 (VCV000432980.2), dbSNP rs1555810001, ClinGen allele CA645373279.

ClinVar aggregate classification (germline): Pathogenic (1 of 4 stars; one submission).

Submission:

GeneDx
Classification: Pathogenic. Last evaluated: 2017-06-21. Review status: criteria provided, single submitter. Criteria: GeneDx Variant Classification (06012015). Collection method: clinical testing. Allele origin: germline. Affected: yes.
Comment: The c.2175delC variant in the ADNP gene has not been reported previously as a pathogenic variant nor as a benign variant, to our knowledge. This variant causes a frameshift starting with codon Leucine 726, changes this amino acid to a Tyrosine residue, and creates a premature Stop codon at position 2 of the new reading frame, denoted p.Leu726TyrfsX2. This variant is predicted to cause loss of normal protein function through protein truncation. The c.2175delC variant is not observed in large population cohorts (Lek et al., 2016; 1000 Genomes Consortium et al., 2015; Exome Variant Server). Based on currently available evidence, we interpret c.2175delC as a pathogenic variant.